The following is an entry in ClinVar:

NM_024876.4(COQ8B):c.811G>A (p.Glu271Lys)

Gene: COQ8B (coenzyme Q8B; minus strand). Cytogenetic location: 19q13.2.
Variant type: single nucleotide variant.
Coding change: c.811G>A on transcript NM_024876.4 (MANE Select); coding-DNA position 811, G replaced by A.
Protein change: p.Glu271Lys; replaces glutamic acid 271 with lysine.
Molecular consequence: missense variant.
Genome position (GRCh38, 1-based): chr19:40,702,682, C>T on the plus strand (G>A on the coding strand, the complement: COQ8B is on the minus strand). VCF-style: chr19-40702682-C-T. GRCh37 (hg19) VCF-style: chr19-41208587-C-T.
Other names: c.688G>A, p.Glu230Lys (NM_001142555.3); short protein forms E230K, E271K.
Identifiers: ClinVar variation 1405968 (VCV001405968.6), dbSNP rs1292210350, ClinGen allele CA405962150.
Genomic context (GRCh38, chr19:40,702,682, plus strand): 5'-CCTCACGACGGTAGTCACACTCCCAAGCCAGCTCCTGCTGCAAGGCCTGCAGGCTCTGCT[C>T]GGCAAACAGGCCTGTGGGGGAGGTGTGTCAGCCAGGGAAGGGCCCCGAGCGCCCACTGGT-3'
Protein context (NP_079152.3, residues 261-281): SAALPAGLFA[Glu271Lys]QSLQALQQEL

ClinVar aggregate classification (germline): Uncertain significance (1 of 4 stars; one submission).

Allele frequency attached by ClinVar (database versions not stated): gnomAD exomes below 0.00001; TOPMed below 0.00001.
gnomAD v4.1: 5 of 1,608,792 alleles (0.00031%); highest among the groups gnomAD compares: East Asian, 0.0045%; no homozygotes.

Submission:

Labcorp Genetics (formerly Invitae), Labcorp
Classification: Uncertain significance. Last evaluated: 2021-10-22. Review status: criteria provided, single submitter. Criteria: Invitae Variant Classification Sherloc (09022015). Collection method: clinical testing. Allele origin: germline.
Comment: This variant has not been reported in the literature in individuals affected with COQ8B-related conditions. Advanced modeling of protein sequence and biophysical properties (such as structural, functional, and spatial information, amino acid conservation, physicochemical variation, residue mobility, and thermodynamic stability) performed at Invitae indicates that this missense variant is not expected to disrupt COQ8B protein function. In summary, the available evidence is currently insufficient to determine the role of this variant in disease. Therefore, it has been classified as a Variant of Uncertain Significance. This variant is not present in population databases (ExAC no frequency). This sequence change replaces glutamic acid with lysine at codon 271 of the COQ8B protein (p.Glu271Lys). The glutamic acid residue is moderately conserved and there is a small physicochemical difference between glutamic acid and lysine.